The following is an entry in ClinVar:

NM_138691.3(TMC1):c.850_851del (p.Cys284fs)

Gene: TMC1 (transmembrane channel like 1; plus strand). Cytogenetic location: 9q21.13.
Variant type: Microsatellite.
Coding change: c.850_851del on transcript NM_138691.3 (MANE Select); coding-DNA positions 850 to 851, 2 bases deleted (TG; older notation c.850_851delTG).
Protein change: p.Cys284fs; shifts the reading frame from cysteine 284.
Molecular consequence: frameshift variant.
Genome position (GRCh38, 1-based): chr9:72,772,521-72,772,522, TG deleted; deleting any 2 consecutive bases within chr9:72,772,519-72,772,522 gives the same sequence; the c. name uses the placement nearest the transcript's 3' end. VCF-style (leftmost placement, unchanged base first): chr9-72772518-ATG-A. GRCh37 (hg19) VCF-style: chr9-75387434-ATG-A.
Other names: short protein forms C284fs.
Identifiers: ClinVar variation 4990054 (VCV004990054.1).

ClinVar aggregate classification (germline): Likely pathogenic (1 of 4 stars; one submission).

Conditions:
TMC1-related disorder. Also called: TMC1-related disorders; TMC1-related condition.

Submission:

PreventionGenetics, part of Exact Sciences
Classification: Likely pathogenic for TMC1-related condition. Last evaluated: 2026-08-04. Review status: criteria provided, single submitter. Criteria: ACMG Guidelines, 2015. Collection method: clinical testing. Allele origin: germline.
Comment: The TMC1 c.850_851delTG variant is predicted to result in a frameshift and premature protein termination (p.Cys284Hisfs*18). To our knowledge, this variant has not been reported in the literature. This variant is reported in 0.0029% of alleles in individuals of Latino descent in gnomAD. Frameshift variants in TMC1 are expected to be pathogenic. This variant is interpreted as likely pathogenic.